The following is an entry in ClinVar:

ClinVar aggregate classification (germline): Benign/Likely benign. Review status: criteria provided, multiple submitters, no conflicts (2 of 4 stars). 7 submissions from 7 submitters: Benign (1); Likely benign (5). 1 of the submissions does not count toward it. Last evaluated 2026-09-01.

Conditions:
BAP1-related tumor predisposition syndrome (TPDS1). Also called: BAP1 tumor predisposition syndrome; COMMON Syndrome; TUMOR PREDISPOSITION SYNDROME 1; Tumor susceptibility linked to germline BAP1 mutations. Identifiers: Orphanet 289539, MedGen C3280492, MONDO:0013692, OMIM 614327.
BAP1-related disorder. Also called: BAP1-related condition.
Hereditary cancer-predisposing syndrome. Also called: Hereditary neoplastic syndrome; Neoplastic Syndromes, Hereditary; Hereditary Cancer Syndrome; Tumor predisposition. Identifiers: Orphanet 140162, MedGen C0027672, MeSH D009386, MONDO:0015356.

Allele frequency attached by ClinVar (database versions not stated): gnomAD exomes 0.00001 and 0.00003; ExAC 0.00002; gnomAD 0.00003; TOPMed 0.00005.
gnomAD v4.1: 19 of 1,614,090 alleles (0.0012%); highest among the groups gnomAD compares: African/African-American, 0.0067%; no homozygotes.

Submissions (7):

CeGaT Center for Human Genetics Tuebingen
Classification: Likely benign. Last evaluated: 2026-09-01. Review status: criteria provided, single submitter. Criteria: CeGaT Center For Human Genetics Tuebingen Variant Classification Criteria Version 2. Collection method: clinical testing. Allele origin: germline. Affected: yes. Observed: 2 variant alleles.
Comment: BAP1: BP4, BP7

Labcorp Genetics (formerly Invitae), Labcorp
Classification: Likely benign for BAP1-related tumor predisposition syndrome. Last evaluated: 2025-12-24. Review status: criteria provided, single submitter. Criteria: Invitae Variant Classification Sherloc (09022015). Collection method: clinical testing. Allele origin: germline.

Myriad Genetics, Inc.
Classification: Benign for BAP1-related tumor predisposition syndrome. Last evaluated: 2024-07-16. Review status: criteria provided, single submitter. Criteria: Myriad Autosomal Dominant, Autosomal Recessive and X-Linked Classification Criteria (2023). Collection method: clinical testing. Allele origin: unknown.
Comment: This variant is considered benign. This variant is a silent/synonymous amino acid change and it is not expected to impact splicing.

Genetic Services Laboratory, University of Chicago
Classification: Likely benign. Last evaluated: 2021-12-23. Review status: criteria provided, single submitter. Criteria: ACMG Guidelines, 2015. Collection method: clinical testing. Allele origin: germline. Affected: no.

Color Diagnostics, LLC DBA Color Health
Classification: Likely benign for Hereditary cancer-predisposing syndrome. Last evaluated: 2018-09-05. Review status: criteria provided, single submitter. Criteria: ACMG Guidelines, 2015. Collection method: clinical testing. Allele origin: germline.

Ambry Genetics
Classification: Likely benign for Hereditary cancer-predisposing syndrome. Last evaluated: 2016-04-15. Review status: criteria provided, single submitter. Criteria: Ambry Variant Classification Scheme 2023. Collection method: clinical testing. Allele origin: germline.

PreventionGenetics, part of Exact Sciences
Classification: Likely benign for BAP1-related condition. Last evaluated: 2019-10-28. Review status: no assertion criteria provided. Collection method: clinical testing. Allele origin: germline. Not counted in ClinVar's aggregate classification.
Comment: This variant is classified as likely benign based on ACMG/AMP sequence variant interpretation guidelines (Richards et al. 2015 PMID: 25741868, with internal and published modifications).

NM_004656.4(BAP1):c.1224C>T (p.Asp408=)

Gene: BAP1 (BRCA1 associated deubiquitinase 1; minus strand). Cytogenetic location: 3p21.1.
Variant type: single nucleotide variant.
Coding change: c.1224C>T on transcript NM_004656.4 (MANE Select); coding-DNA position 1224, C replaced by T.
Protein change: p.Asp408=; no amino-acid change (aspartic acid 408 retained).
Molecular consequence: synonymous variant.
Genome position (GRCh38, 1-based): chr3:52,404,479, G>A on the plus strand (C>T on the coding strand, the complement: BAP1 is on the minus strand). VCF-style: chr3-52404479-G-A. GRCh37 (hg19) VCF-style: chr3-52438495-G-A.
Other names: c.1224C>T (LRG_529t1).
Identifiers: ClinVar variation 417275 (VCV000417275.42), dbSNP rs755110121, ClinGen allele CA2436865.